The following is an entry in ClinVar:

ClinVar aggregate classification (germline): Uncertain significance (1 of 4 stars; one submission).

Conditions:
Polycystic kidney disease, adult type (PKD1). Also called: Polycystic Kidney, Autosomal Dominant; POLYCYSTIC KIDNEY DISEASE 1 WITH OR WITHOUT POLYCYSTIC LIVER DISEASE; Polycystic Kidney Disease 1, Autosomal Dominant; Polycystic kidney disease 1; Polycystic kidney disease 1, severe; POLYCYSTIC KIDNEY DISEASE, ADULT, TYPE I. Identifiers: MedGen C3149841, MONDO:0008263, OMIM 173900.

Submission:

Institute of Human Genetics, University of Leipzig Medical Center
Classification: Uncertain significance for Polycystic kidney disease, adult type. Last evaluated: 2025-03-04. Review status: criteria provided, single submitter. Criteria: ACMG Guidelines, 2015. Collection method: clinical testing. Allele origin: unknown. Inheritance: Autosomal dominant inheritance. Affected: yes.
Comment: Criteria applied: PM2_SUP,BP4

NM_001009944.3(PKD1):c.12396G>C (p.Leu4132Phe)

Gene: PKD1 (polycystin 1, transient receptor potential channel interacting; minus strand). Cytogenetic location: 16p13.3.
Variant type: single nucleotide variant.
Coding change: c.12396G>C on transcript NM_001009944.3 (MANE Select); coding-DNA position 12396, G replaced by C.
Protein change: p.Leu4132Phe; replaces leucine 4132 with phenylalanine.
Molecular consequence: missense variant.
Genome position (GRCh38, 1-based): chr16:2,090,333, C>G on the plus strand (G>C on the coding strand, the complement: PKD1 is on the minus strand). VCF-style: chr16-2090333-C-G. GRCh37 (hg19) VCF-style: chr16-2140334-C-G.
Other names: c.12393G>C, p.Leu4131Phe (NM_000296.4); short protein forms L4131F, L4132F.
Identifiers: ClinVar variation 3773711 (VCV003773711.2).
Genomic context (GRCh38, chr16:2,090,333, plus strand): 5'-GGCCGTACCCACCTCCTTGACCTTGCTGAGGCCCATCCAGAGGCGCAGCCTGCGCAGGAA[C>G]AACTCCACCATCTCGTAGTCCTGGGGCTCCCAGGCCGGCCGGTACAGCTCTCCACGCAAG-3'
Protein context (NP_001009944.3, residues 4122-4142): WEPQDYEMVE[Leu4132Phe]FLRRLRLWMG